The following is an entry in ClinVar:

ClinVar aggregate classification (germline): Uncertain significance (1 of 4 stars; one submission).

Conditions:
CTNND2-related disorder. Also called: CTNND2-related condition.

Submission:

PreventionGenetics, part of Exact Sciences
Classification: Uncertain significance for CTNND2-related condition. Last evaluated: 2025-09-16. Review status: criteria provided, single submitter. Criteria: ACMG Guidelines, 2015. Collection method: clinical testing. Allele origin: germline.
Comment: The CTNND2 c.3089delG variant is predicted to result in a frameshift and premature protein termination (p.Gly1030Aspfs*8). To our knowledge, this variant has not been reported in the literature or in a large population database (gnomAD), indicating this variant is rare. Loss of function is not an established mechanism of CTNND2-related disease with only a few protein-truncating variants having been reported in this gene to date (Human Gene Mutation Database). Although we suspect that this variant may be pathogenic, at this time, the clinical significance of this variant is uncertain due to the absence of conclusive functional and genetic evidence.

NM_001332.4(CTNND2):c.3089del (p.Gly1030fs)

Gene: CTNND2 (catenin delta 2; minus strand). Cytogenetic location: 5p15.2.
Variant type: Deletion.
Coding change: c.3089del on transcript NM_001332.4 (MANE Select); coding-DNA position 3089, one base deleted (G; older notation c.3089delG).
Protein change: p.Gly1030fs; shifts the reading frame from glycine 1030.
Molecular consequence: frameshift variant. On other transcripts: non-coding transcript variant (1).
Genome position (GRCh38, 1-based): chr5:10,992,673, C deleted on the plus strand (G on the coding strand, the reverse complement: CTNND2 is on the minus strand); the first of 2 consecutive C bases (chr5:10,992,673-10,992,674); deleting either gives the same sequence. VCF-style (leftmost placement, unchanged base first): chr5-10992672-TC-T. GRCh37 (hg19) VCF-style: chr5-10992784-TC-T.
Other names: c.2816del, p.Gly939fs (NM_001288715.1); c.2078del, p.Gly693fs (NM_001288716.1); c.1790del, p.Gly597fs (NM_001288717.2); c.2153del, p.Gly718fs (NM_001364128.2); short protein forms G597fs, G693fs, G939fs, G1030fs, G718fs.
Identifiers: ClinVar variation 4995517 (VCV004995517.1).